The following is an entry in ClinVar:

ClinVar aggregate classification (germline): Uncertain significance (1 of 4 stars; one submission).

Submission:

Ambry Genetics
Classification: Uncertain significance. Last evaluated: 2025-05-29. Review status: criteria provided, single submitter. Criteria: Ambry Variant Classification Scheme 2023. Collection method: clinical testing. Allele origin: germline.
Comment: The p.G3E variant (also known as c.8G>A), located in coding exon 1 of the FAM175A gene, results from a G to A substitution at nucleotide position 8. The glycine at codon 3 is replaced by glutamic acid, an amino acid with similar properties. This amino acid position is conserved. In addition, this alteration is predicted to be tolerated by in silico analysis. Since supporting evidence is limited at this time, the clinical significance of this alteration remains unclear.

NM_139076.3(ABRAXAS1):c.8G>A (p.Gly3Glu)

Genes: ABRAXAS1 (abraxas 1, BRCA1 A complex subunit; minus strand), LOC129992784 (ATAC-STARR-seq lymphoblastoid silent region 15542; plus strand). Cytogenetic location: 4q21.23.
Variant type: single nucleotide variant.
Coding change: c.8G>A on transcript NM_139076.3 (MANE Select); coding-DNA position 8, G replaced by A.
Protein change: p.Gly3Glu; replaces glycine 3 with glutamic acid.
Molecular consequence: missense variant. On other transcripts: 5 prime UTR variant (1).
Genome position (GRCh38, 1-based): chr4:83,485,065, C>T on the plus strand (G>A on the coding strand, the complement: ABRAXAS1 is on the minus strand). VCF-style: chr4-83485065-C-T. GRCh37 (hg19) VCF-style: chr4-84406218-C-T.
Other names: c.-253G>A (NM_001345962.2); short protein forms G3E.
Identifiers: ClinVar variation 1799656 (VCV001799656.3), dbSNP rs200197238, ClinGen allele CA357264124.